The following is an entry in ClinVar:

ClinVar aggregate classification (germline): Pathogenic. Review status: criteria provided, multiple submitters, no conflicts (2 of 4 stars). 4 submissions from 4 submitters: Pathogenic (4). Last evaluated 2025-12-02.

Conditions:
Congenital adrenal hyperplasia. Identifiers: Orphanet 418, MedGen C0001627, MONDO:0018479, HP:0008258.
Deficiency of steroid 17-alpha-monooxygenase. Also called: ADRENAL HYPERPLASIA V; 17-alpha-hydroxylase/17,20-lyase deficiency; 17-ALPHA-HYDROXYLASE DEFICIENCY; Congenital adrenal hyperplasia due to 17-alpha-hydroxylase deficiency; Congenital adrenal hyperplasia type 5. Identifiers: Orphanet 90793, MedGen C0268285, MONDO:0008730, OMIM 202110.

Allele frequency attached by ClinVar (database versions not stated): gnomAD 0.00001; ExAC 0.00006.
gnomAD v4.1: 21 of 1,577,178 alleles (0.0013%); highest among the groups gnomAD compares: East Asian, 0.0069%; no homozygotes.

Submissions (4):

Natera, Inc.
Classification: Pathogenic for Deficiency of steroid 17-alpha-monooxygenase. Last evaluated: 2025-12-02. Review status: criteria provided, single submitter. Criteria: Natera Variant Classification Schema (03/2026). Collection method: clinical testing. Allele origin: germline.
Comment: The c.1263G>A variant in CYP17A1 is a synonymous variant that does not alter the encoded amino acid at position 421 (p.A421=). This variant is rare in the general population with a frequency below the threshold expected for the associated phenotype(s). This variant has been observed in one or more individuals affected with the associated recessive disease, as either homozygous or compound heterozygous with a second variant (PMID: 21282350, 33864926, 35561789, 35043964, 37542252). Functional studies show that this variant may disrupt protein function (PMID: 21282350). Multiple computational prediction algorithms suggest this variant is unlikely to affect gene or protein function. Given the available evidence, this variant is classified as Pathogenic.

Women's Health and Genetics/Laboratory Corporation of America, LabCorp
Classification: Pathogenic for Congenital adrenal hyperplasia. Last evaluated: 2024-08-07. Review status: criteria provided, single submitter. Criteria: LabCorp Variant Classification Summary - May 2015. Collection method: clinical testing. Allele origin: germline.
Comment: Variant summary: CYP17A1 c.1263G>A alters a non-conserved nucleotide resulting in a synonymous change. Consensus agreement among computation tools predict no significant impact on normal splicing. However, at least one publication reports experimental evidence that this variant affects mRNA splicing resulting in a partial skipping of a portion of exon 8 (Qiao_2011). The variant allele was found at a frequency of 3.1e-05 in 194864 control chromosomes. c.1263G>A has been reported in the literature as a biallelic compound heterozygous genotype in individuals affected with features of CYP17A1 deficiency such as 46,XY disordered sex development/17-alpha-hydroxylase/17,20-lyase deficiency/Hypospadias (example, Qiao_2011, Yu_2021, Xu_2022, Shaomei_2022). These data indicate that the variant is likely to be associated with disease. The following publications have been ascertained in the context of this evaluation (PMID: 21282350, 35561789, 35043964, 32985417). ClinVar contains an entry for this variant (Variation ID: 2681093). Based on the evidence outlined above, the variant was classified as pathogenic.

Labcorp Genetics (formerly Invitae), Labcorp
Classification: Pathogenic. Last evaluated: 2023-12-01. Review status: criteria provided, single submitter. Criteria: Invitae Variant Classification Sherloc (09022015). Collection method: clinical testing. Allele origin: germline.
Comment: This sequence change affects codon 421 of the CYP17A1 mRNA. It is a 'silent' change, meaning that it does not change the encoded amino acid sequence of the CYP17A1 protein. The frequency data for this variant in the population databases is considered unreliable, as metrics indicate poor data quality at this position in the gnomAD database. This variant has been observed in individual(s) with clinical features of CYP17A1-related conditions (PMID: 21282350, 32985417, 35043964, 35561789). In at least one individual the data is consistent with being in trans (on the opposite chromosome) from a pathogenic variant. Algorithms developed to predict the effect of variants on protein structure and function are not available or were not evaluated for this variant. Experimental studies are conflicting or provide insufficient evidence to determine the effect of this variant on CYP17A1 function (PMID: 21282350). Studies have shown that this variant is associated with inconclusive levels of altered splicing (PMID: 21282350). For these reasons, this variant has been classified as Pathogenic.

Juno Genomics, Hangzhou Juno Genomics, Inc
Classification: Pathogenic for Deficiency of steroid 17-alpha-monooxygenase. Review status: criteria provided, single submitter. Criteria: ACMG Guidelines, 2015. Collection method: clinical testing. Allele origin: germline.
Comment: Absent from controls (or at extremely low frequency if recessive) in Genome Aggregation Database.;Well-established in vitro or in vivo functional studies supportive of a damaging effect on the gene or gene product.;For recessive disorders, detected in trans with a pathogenic variant.;Patient's phenotype or family history is highly specific for a disease with a single genetic etiology.

Literature cited by the submitters: PubMed 21282350 (cited by 3 submitters); PubMed 33864926 (cited by Natera, Inc.); PubMed 35561789 (cited by 3 submitters); PubMed 35043964 (cited by 3 submitters); PubMed 37542252 (cited by Natera, Inc.); PubMed 32985417 (cited by Women's Health and Genetics/Laboratory Corporation of America, LabCorp and Labcorp Genetics (formerly Invitae), Labcorp).

NM_000102.4(CYP17A1):c.1263G>A (p.Ala421=)

Gene: CYP17A1 (cytochrome P450 family 17 subfamily A member 1; minus strand). Cytogenetic location: 10q24.32.
Variant type: single nucleotide variant.
Coding change: c.1263G>A on transcript NM_000102.4 (MANE Select); coding-DNA position 1263, G replaced by A.
Protein change: p.Ala421=; no amino-acid change (alanine 421 retained).
Molecular consequence: synonymous variant.
Genome position (GRCh38, 1-based): chr10:102,830,966, C>T on the plus strand (G>A on the coding strand, the complement: CYP17A1 is on the minus strand). VCF-style: chr10-102830966-C-T. GRCh37 (hg19) VCF-style: chr10-104590723-C-T.
Other names: c.1263G>A (NM_000102.3).
Identifiers: ClinVar variation 2681093 (VCV002681093.10), dbSNP rs769188557, ClinGen allele CA5669348.